The following is an entry in ClinVar:

NM_001038603.3(MARVELD2):c.291C>T (p.Pro97=)

Gene: MARVELD2 (MARVEL domain containing 2; plus strand). Cytogenetic location: 5q13.2.
Variant type: single nucleotide variant.
Coding change: c.291C>T on transcript NM_001038603.3 (MANE Select); coding-DNA position 291, C replaced by T.
Protein change: p.Pro97=; no amino-acid change (proline 97 retained).
Molecular consequence: synonymous variant.
Genome position (GRCh38, 1-based): chr5:69,419,676, C>T. VCF-style: chr5-69419676-C-T. GRCh37 (hg19) VCF-style: chr5-68715503-C-T.
Other names: c.291C>T, p.Pro97= (NM_001244734.2).
Identifiers: ClinVar variation 1213474 (VCV001213474.10), dbSNP rs757531488, ClinGen allele CA3294011.

ClinVar aggregate classification (germline): Likely benign. Review status: criteria provided, multiple submitters, no conflicts (2 of 4 stars). 2 submissions from 2 submitters: Likely benign (2). Last evaluated 2025-02-01.

Allele frequency attached by ClinVar (database versions not stated): gnomAD exomes 0.00002; gnomAD 0.00003; TOPMed 0.00003; ExAC 0.00005.
gnomAD v4.1: 26 of 1,613,962 alleles (0.0016%); highest among the groups gnomAD compares: South Asian, 0.0077%; no homozygotes.

Submissions (2):

CeGaT Center for Human Genetics Tuebingen
Classification: Likely benign. Last evaluated: 2025-02-01. Review status: criteria provided, single submitter. Criteria: CeGaT Center For Human Genetics Tuebingen Variant Classification Criteria Version 2. Collection method: clinical testing. Allele origin: germline. Affected: yes. Observed: 1 variant allele.
Comment: MARVELD2: BP4, BP7

GeneDx
Classification: Likely benign. Last evaluated: 2019-10-25. Review status: criteria provided, single submitter. Criteria: GeneDx Variant Classification Process June 2021. Collection method: clinical testing. Allele origin: germline. Affected: yes.